The following is an entry in ClinVar:

NM_000124.4(ERCC6):c.4272C>G (p.His1424Gln)

Gene: ERCC6 (ERCC excision repair 6, chromatin remodeling factor; minus strand). Cytogenetic location: 10q11.23.
Variant type: single nucleotide variant.
Coding change: c.4272C>G on transcript NM_000124.4 (MANE Select); coding-DNA position 4272, C replaced by G.
Protein change: p.His1424Gln; replaces histidine 1424 with glutamine.
Molecular consequence: missense variant.
Genome position (GRCh38, 1-based): chr10:49,459,025, G>C on the plus strand (C>G on the coding strand, the complement: ERCC6 is on the minus strand). VCF-style: chr10-49459025-G-C. GRCh37 (hg19) VCF-style: chr10-50667071-G-C.
Other names: c.4272C>G, p.His1424Gln (NM_001346440.2); short protein forms H1424Q.
Identifiers: ClinVar variation 1924113 (VCV001924113.5), dbSNP rs759104524, ClinGen allele CA376703495.

ClinVar aggregate classification (germline): Uncertain significance (1 of 4 stars; one submission).

Submission:

Labcorp Genetics (formerly Invitae), Labcorp
Classification: Uncertain significance. Last evaluated: 2022-04-12. Review status: criteria provided, single submitter. Criteria: Invitae Variant Classification Sherloc (09022015). Collection method: clinical testing. Allele origin: germline.
Comment: In summary, the available evidence is currently insufficient to determine the role of this variant in disease. Therefore, it has been classified as a Variant of Uncertain Significance. Algorithms developed to predict the effect of missense changes on protein structure and function are either unavailable or do not agree on the potential impact of this missense change (SIFT: "Deleterious"; PolyPhen-2: "Possibly Damaging"; Align-GVGD: "Class C15"). This variant has not been reported in the literature in individuals affected with ERCC6-related conditions. This variant is not present in population databases (gnomAD no frequency). This sequence change replaces histidine, which is basic and polar, with glutamine, which is neutral and polar, at codon 1424 of the ERCC6 protein (p.His1424Gln).